The following is an entry in ClinVar:

NM_021971.4(GMPPB):c.859C>T (p.Arg287Trp)

Gene: GMPPB (GDP-mannose pyrophosphorylase B; minus strand). Cytogenetic location: 3p21.31.
Variant type: single nucleotide variant.
Coding change: c.859C>T on transcript NM_021971.4 (MANE Select); coding-DNA position 859, C replaced by T.
Protein change: p.Arg287Trp; replaces arginine 287 with tryptophan.
Molecular consequence: missense variant.
Genome position (GRCh38, 1-based): chr3:49,722,057, G>A on the plus strand (C>T on the coding strand, the complement: GMPPB is on the minus strand). VCF-style: chr3-49722057-G-A. GRCh37 (hg19) VCF-style: chr3-49759490-G-A.
Other names: c.859C>T, p.Arg287Trp (NM_013334.4); short protein forms R287W.
Identifiers: ClinVar variation 225925 (VCV000225925.27), dbSNP rs142908436, ClinGen allele CA2405424.

ClinVar aggregate classification (germline): Pathogenic. Review status: criteria provided, multiple submitters, no conflicts (2 of 4 stars). 7 submissions from 7 submitters: Pathogenic (6). 1 of the submissions does not count toward it. Last evaluated 2026-01-25.

Conditions:
GMPPB-related disorder. Also called: GMPPB-related condition; GMPPB-related disorders.
Muscular dystrophy. Identifiers: Orphanet 98473, MedGen C0026850, MeSH D009136, MONDO:0020121, HP:0003560.
Muscular dystrophy-dystroglycanopathy (congenital with brain and eye anomalies), type A14. Also called: WALKER-WARBURG SYNDROME OR MUSCLE-EYE-BRAIN DISEASE, GMPPB-RELATED; Muscular dystrophy-dystroglycanopathy (congenital with brain and eye anomalies), type a, 14; Congenital Muscular Dystrophy-Dystroglycanopathy with Brain and Eye Anomalies Type A 14; Congenital muscular dystrophy-dystroglycanopathy with brain and eye anomalies, type A14. Identifiers: Orphanet 588, MedGen C3809216, MONDO:0014140, OMIM 615350.
Muscular dystrophy-dystroglycanopathy (congenital with impaired intellectual development), type B, 14. Also called: MUSCULAR DYSTROPHY, CONGENITAL, GMPPB-RELATED; Muscular dystrophy-dystroglycanopathy (congenital with intellectual disability), type B14; Congenital muscular dystrophy-dystroglycanopathy with mental retardation, type B14. Identifiers: MedGen C3809221, MONDO:0014141, OMIM 615351.
Autosomal recessive limb-girdle muscular dystrophy type 2T. Also called: MUSCULAR DYSTROPHY, LIMB-GIRDLE, TYPE 2T; MUSCULAR DYSTROPHY-DYSTROGLYCANOPATHY, LIMB-GIRDLE, GMPPB-RELATED; Limb-girdle muscular dystrophy-dystroglycanopathy, type C14; Muscular dystrophy-dystroglycanopathy (limb-girdle), type c, 14. Identifiers: Orphanet 363623, MedGen C4518000, MONDO:0014142, OMIM 615352.

Allele frequency attached by ClinVar (database versions not stated): gnomAD 0.00006; ESP Exome Variant Server 0.00008; TOPMed 0.00014.

Submissions (7):

Labcorp Genetics (formerly Invitae), Labcorp
Classification: Pathogenic for Autosomal recessive limb-girdle muscular dystrophy type 2T; Muscular dystrophy-dystroglycanopathy (congenital with brain and eye anomalies), type A14; Muscular dystrophy-dystroglycanopathy (congenital with impaired intellectual development), type B, 14. Last evaluated: 2026-01-25. Review status: criteria provided, single submitter. Criteria: Invitae Variant Classification Sherloc (09022015). Collection method: clinical testing. Allele origin: germline.
Comment: This sequence change replaces arginine, which is basic and polar, with tryptophan, which is neutral and slightly polar, at codon 287 of the GMPPB protein (p.Arg287Trp). This variant is present in population databases (rs142908436, gnomAD 0.02%). This missense change has been observed in individuals with GMPPB-related disease (PMID: 26133662, 27766311, 27874200, 28478914). ClinVar contains an entry for this variant (Variation ID: 225925). Invitae Evidence Modeling of protein sequence and biophysical properties (such as structural, functional, and spatial information, amino acid conservation, physicochemical variation, residue mobility, and thermodynamic stability) indicates that this missense variant is not expected to disrupt GMPPB protein function with a negative predictive value of 80%. Experimental studies have shown that this missense change affects GMPPB function (PMID: 26133662). This variant disrupts the p.Arg287 amino acid residue in GMPPB. Other variant(s) that disrupt this residue have been determined to be pathogenic (PMID: 24780531, 26133662). This suggests that this residue is clinically significant, and that variants that disrupt this residue are likely to be disease-causing. For these reasons, this variant has been classified as Pathogenic.

GeneDx
Classification: Pathogenic. Last evaluated: 2025-05-19. Review status: criteria provided, single submitter. Criteria: GeneDx Variant Classification Process June 2021. Collection method: clinical testing. Allele origin: germline. Affected: yes.
Comment: Published functional studies demonstrate decreased protein expression and increased propensity to form punctate aggregates (PMID: 26133662); In silico analysis supports that this missense variant has a deleterious effect on protein structure/function; This variant is associated with the following publications: (PMID: 27147698, 30684953, 28433477, 27766311, 26133662, 26310427, 27874200, 30060766, 28478914, 29437916, 32115343, 31980526, 32528171, 37273706, 35006422, 38544359)

Revvity Omics, Revvity
Classification: Pathogenic. Last evaluated: 2025-05-01. Review status: criteria provided, single submitter. Criteria: ACMG Guidelines, 2015. Collection method: clinical testing. Allele origin: germline.

Blueprint Genetics
Classification: Pathogenic for GMPPB-related disorders. Last evaluated: 2024-05-28. Review status: criteria provided, single submitter. Criteria: ACMG Guidelines, 2015. Collection method: clinical testing. Allele origin: germline. Affected: yes. Observed: 5 variant alleles.

Laboratory for Molecular Medicine, Mass General Brigham Personalized Medicine
Classification: Pathogenic for Muscular dystrophy. Last evaluated: 2020-03-11. Review status: criteria provided, single submitter. Criteria: LMM Criteria. Collection method: clinical testing. Allele origin: germline. Inheritance: Autosomal recessive inheritance. Observed: 4 variant alleles.
Comment: The p.Arg287Trp variant in GMPPB has been reported in >10 individuals with limb-girdle muscular dystrophy (Jensen 2015, Oestergaard 2016, Montagnese 2016, Balcin 2017, Sarkozy 2018, Johnson 2018) or congenital myasthenic syndrome (Belaya 2015), all of whom were compound heterozygous with a pathogenic variant on the other allele. This variant also segregated with disease in 1 affected family member (Oestergaard 2016). It was also identified in 0.01% (25/127816) of European chromosomes by the Genome Aggregation Database (gnomAD). Although this variant has been seen in the general population, its frequency is low enough to be consistent with a recessive carrier frequency. Another missense variant at this same codon, p.Arg287Gln, has been reported in multiple individuals with features of limb-girdle and other muscular dystrophies (Sun 2019). In vitro functional studies provide some evidence that the p.Arg287Trp variant may impact protein stability (Belaya 2015); however, these types of assays may not accurately represent biological function. In summary, this variant meets criteria to be classified as pathogenic for limb-girdle muscular dystrophy in an autosomal recessive manner based upon the presence of the variant in trans with a pathogenic variant in affected individuals, the overall low general population frequency, and a different pathogenic missense at the same position. ACMG/AMP Criteria applied: PM3_VeryStrong, PM2_Supporting, PM5, PP1.

Mayo Clinic Laboratories, Mayo Clinic
Classification: Pathogenic. Last evaluated: 2020-02-21. Review status: criteria provided, single submitter. Criteria: ACMG Guidelines, 2015. Collection method: clinical testing. Allele origin: germline.
Comment: PS3, PS4_moderate, PM2, PM3, PM5, PP4

OMIM
Classification: Pathogenic for MUSCULAR DYSTROPHY-DYSTROGLYCANOPATHY (LIMB-GIRDLE), TYPE C, 14. Last evaluated: 2018-09-25. Review status: no assertion criteria provided. Collection method: literature only. Allele origin: germline. Not counted in ClinVar's aggregate classification.

Literature cited by the submitters: PubMed 26133662 (cited by 4 submitters); PubMed 27766311 (cited by 3 submitters); PubMed 27874200 (cited by 3 submitters); PubMed 28478914 (cited by Labcorp Genetics (formerly Invitae), Labcorp and Laboratory for Molecular Medicine, Mass General Brigham Personalized Medicine); PubMed 24780531 (cited by Labcorp Genetics (formerly Invitae), Labcorp); PubMed 26310427 (cited by Laboratory for Molecular Medicine, Mass General Brigham Personalized Medicine and Mayo Clinic Laboratories, Mayo Clinic); PubMed 27147698 (cited by Laboratory for Molecular Medicine, Mass General Brigham Personalized Medicine); PubMed 27527004 (cited by Laboratory for Molecular Medicine, Mass General Brigham Personalized Medicine); PubMed 29437916 (cited by Laboratory for Molecular Medicine, Mass General Brigham Personalized Medicine and Mayo Clinic Laboratories, Mayo Clinic); PubMed 30060766 (cited by Laboratory for Molecular Medicine, Mass General Brigham Personalized Medicine and Mayo Clinic Laboratories, Mayo Clinic); PubMed 30684953 (cited by Laboratory for Molecular Medicine, Mass General Brigham Personalized Medicine).